The following is an entry in ClinVar:

ClinVar aggregate classification (germline): Likely benign (1 of 4 stars; one submission).

Conditions:
HTT-related disorder. Also called: HTT-related condition.

Submission:

PreventionGenetics, part of Exact Sciences
Classification: Likely benign for HTT-related condition. Last evaluated: 2019-03-04. Review status: criteria provided, single submitter. Criteria: ACMG Guidelines, 2015. Collection method: clinical testing. Allele origin: germline.
Comment: This variant is classified as likely benign based on ACMG/AMP sequence variant interpretation guidelines (Richards et al. 2015 PMID: 25741868, with internal and published modifications).

NM_001388492.1(HTT):c.9285C>T (p.Ala3095=)

Gene: HTT (huntingtin; plus strand). Cytogenetic location: 4p16.3.
Variant type: single nucleotide variant.
Coding change: c.9285C>T on transcript NM_001388492.1 (MANE Select); coding-DNA position 9285, C replaced by T.
Protein change: p.Ala3095=; no amino-acid change (alanine 3095 retained).
Molecular consequence: synonymous variant.
Genome position (GRCh38, 1-based): chr4:3,239,915, C>T. VCF-style: chr4-3239915-C-T. GRCh37 (hg19) VCF-style: chr4-3241642-C-T.
Other names: c.9291C>T, p.Ala3097= (NM_002111.8).
Identifiers: ClinVar variation 3057577 (VCV003057577.1), dbSNP rs2474099874, ClinGen allele CA438121166.